The following is an entry in ClinVar:

ClinVar aggregate classification (germline): Uncertain significance (1 of 4 stars; one submission).

Conditions:
Spastic paraplegia. Identifiers: MedGen C0037772, HP:0001258.

Submission:

Labcorp Genetics (formerly Invitae), Labcorp
Classification: Uncertain significance for Spastic paraplegia. Last evaluated: 2022-01-27. Review status: criteria provided, single submitter. Criteria: Invitae Variant Classification Sherloc (09022015). Collection method: clinical testing. Allele origin: germline.
Comment: This sequence change replaces glutamic acid, which is acidic and polar, with lysine, which is basic and polar, at codon 682 of the ZFYVE26 protein (p.Glu682Lys). This variant is not present in population databases (gnomAD no frequency). This variant has not been reported in the literature in individuals affected with ZFYVE26-related conditions. Algorithms developed to predict the effect of missense changes on protein structure and function are either unavailable or do not agree on the potential impact of this missense change (SIFT: "Tolerated"; PolyPhen-2: "Probably Damaging"; Align-GVGD: "Class C0"). In summary, the available evidence is currently insufficient to determine the role of this variant in disease. Therefore, it has been classified as a Variant of Uncertain Significance.

NM_015346.4(ZFYVE26):c.2044G>A (p.Glu682Lys)

Gene: ZFYVE26 (zinc finger FYVE-type containing 26; minus strand). Cytogenetic location: 14q24.1.
Variant type: single nucleotide variant.
Coding change: c.2044G>A on transcript NM_015346.4 (MANE Select); coding-DNA position 2044, G replaced by A.
Protein change: p.Glu682Lys; replaces glutamic acid 682 with lysine.
Molecular consequence: missense variant.
Genome position (GRCh38, 1-based): chr14:67,798,218, C>T on the plus strand (G>A on the coding strand, the complement: ZFYVE26 is on the minus strand). VCF-style: chr14-67798218-C-T. GRCh37 (hg19) VCF-style: chr14-68264935-C-T.
Other names: short protein forms E682K.
Identifiers: ClinVar variation 2201590 (VCV002201590.1), dbSNP rs1594930262, ClinGen allele CA390175303.